The following is an entry in ClinVar:

NM_001382391.1(CSPP1):c.1045A>G (p.Lys349Glu)

Gene: CSPP1 (centrosome and spindle pole associated protein 1; plus strand). Cytogenetic location: 8q13.2.
Variant type: single nucleotide variant.
Coding change: c.1045A>G on transcript NM_001382391.1 (MANE Select); coding-DNA position 1045, A replaced by G.
Protein change: p.Lys349Glu; replaces lysine 349 with glutamic acid.
Molecular consequence: missense variant.
Genome position (GRCh38, 1-based): chr8:67,105,927, A>G. VCF-style: chr8-67105927-A-G. GRCh37 (hg19) VCF-style: chr8-68018162-A-G.
Other names: c.190A>G, p.Lys64Glu (NM_001291339.2); c.964A>G, p.Lys322Glu (NM_001363131.2, NM_001363133.2); c.1045A>G, p.Lys349Glu (NM_001363132.2); c.1153A>G, p.Lys385Glu (NM_001364869.1); c.973A>G, p.Lys325Glu (NM_001364870.1); c.1072A>G, p.Lys358Glu (NM_024790.7); short protein forms K322E, K349E, K358E, K385E, K325E, K64E.
Identifiers: ClinVar variation 2004963 (VCV002004963.2), dbSNP rs1015990468, ClinGen allele CA178201553.

ClinVar aggregate classification (germline): Uncertain significance (1 of 4 stars; one submission).

Conditions:
Joubert syndrome 21 (JBTS21). Identifiers: MedGen C3810212, MONDO:0014288, OMIM 615636.

Allele frequency attached by ClinVar (database versions not stated): gnomAD exomes below 0.00001; gnomAD 0.00001; TOPMed 0.00001.
gnomAD v4.1: 4 of 1,589,696 alleles (0.00025%); highest among the groups gnomAD compares: African/African-American, 0.0054%; no homozygotes.

Submission:

Labcorp Genetics (formerly Invitae), Labcorp
Classification: Uncertain significance for Joubert syndrome 21. Last evaluated: 2022-06-12. Review status: criteria provided, single submitter. Criteria: Invitae Variant Classification Sherloc (09022015). Collection method: clinical testing. Allele origin: germline.
Comment: In summary, the available evidence is currently insufficient to determine the role of this variant in disease. Therefore, it has been classified as a Variant of Uncertain Significance. Algorithms developed to predict the effect of missense changes on protein structure and function are either unavailable or do not agree on the potential impact of this missense change (SIFT: "Tolerated"; PolyPhen-2: "Possibly Damaging"; Align-GVGD: "Class C0"). This variant has not been reported in the literature in individuals affected with CSPP1-related conditions. This variant is not present in population databases (gnomAD no frequency). This sequence change replaces lysine, which is basic and polar, with glutamic acid, which is acidic and polar, at codon 358 of the CSPP1 protein (p.Lys358Glu).